The following is an entry in ClinVar:

NM_007332.3(TRPA1):c.-9G>A

Gene: TRPA1 (transient receptor potential cation channel subfamily A member 1; minus strand). Cytogenetic location: 8q21.11.
Variant type: single nucleotide variant.
Coding change: c.-9G>A on transcript NM_007332.3 (MANE Select); 9 bases upstream of the start codon, G replaced by A.
Molecular consequence: 5 prime UTR variant.
Genome position (GRCh38, 1-based): chr8:72,075,418, C>T on the plus strand (G>A on the coding strand, the complement: TRPA1 is on the minus strand). VCF-style: chr8-72075418-C-T. GRCh37 (hg19) VCF-style: chr8-72987653-C-T.
Identifiers: ClinVar variation 3045291 (VCV003045291.2), dbSNP rs770137156, ClinGen allele CA4781377.

ClinVar aggregate classification (germline): Likely benign (0 of 4 stars; one submission).

Conditions:
TRPA1-related disorder. Also called: TRPA1-related condition.

Allele frequency attached by ClinVar (database versions not stated): gnomAD 0.00001; TOPMed 0.00001; gnomAD exomes 0.00005; ExAC 0.00013.
gnomAD v4.1: 69 of 1,599,188 alleles (0.0043%); highest among the groups gnomAD compares: South Asian, 0.064%; no homozygotes.

Submission:

PreventionGenetics, part of Exact Sciences
Classification: Likely benign for TRPA1-related condition. Last evaluated: 2019-11-01. Review status: no assertion criteria provided. Collection method: clinical testing. Allele origin: germline.
Comment: This variant is classified as likely benign based on ACMG/AMP sequence variant interpretation guidelines (Richards et al. 2015 PMID: 25741868, with internal and published modifications).